The following is an entry in ClinVar:

NM_181426.2(CCDC39):c.664G>T (p.Glu222Ter)

Gene: CCDC39 (coiled-coil domain 39 molecular ruler complex subunit; minus strand). Cytogenetic location: 3q26.33.
Variant type: single nucleotide variant.
Coding change: c.664G>T on transcript NM_181426.2 (MANE Select); coding-DNA position 664, G replaced by T.
Protein change: p.Glu222Ter; replaces glutamic acid 222 with a stop codon.
Molecular consequence: nonsense.
Genome position (GRCh38, 1-based): chr3:180,659,526, C>A on the plus strand (G>T on the coding strand, the complement: CCDC39 is on the minus strand). VCF-style: chr3-180659526-C-A. GRCh37 (hg19) VCF-style: chr3-180377314-C-A.
Other names: short protein forms E222*.
Identifiers: ClinVar variation 942738 (VCV000942738.10), dbSNP rs1047910260, ClinGen allele CA88636038.
Genomic context (GRCh38, chr3:180,659,526, plus strand): 5'-CTATGTCTCCATCCCTCTTCTGCATCTGTTCTATTGTGTTCTCCCATTGTTTAATGAGTT[C>A]TTGTCTTTCATTATGAATCTTACGAAAATCTTGTGCTGCTTTATCCAATTCTAACTGTCA-3'

ClinVar aggregate classification (germline): Pathogenic (1 of 4 stars; one submission).

Conditions:
Primary ciliary dyskinesia. Also called: Ciliary dyskinesia. Identifiers: Orphanet 244, MedGen C0008780, MONDO:0016575, HP:0012265.

Allele frequency attached by ClinVar (database versions not stated): gnomAD exomes 0.00001; TOPMed 0.00001.
gnomAD v4.1: 10 of 1,613,276 alleles (0.00062%); highest among the groups gnomAD compares: African/African-American, 0.004%; no homozygotes.

Submission:

Labcorp Genetics (formerly Invitae), Labcorp
Classification: Pathogenic for Primary ciliary dyskinesia. Last evaluated: 2024-03-12. Review status: criteria provided, single submitter. Criteria: Invitae Variant Classification Sherloc (09022015). Collection method: clinical testing. Allele origin: germline.
Comment: This sequence change creates a premature translational stop signal (p.Glu222*) in the CCDC39 gene. It is expected to result in an absent or disrupted protein product. Loss-of-function variants in CCDC39 are known to be pathogenic (PMID: 21131972, 23255504). This variant is present in population databases (no rsID available, gnomAD 0.01%). This premature translational stop signal has been observed in individual(s) with primary ciliary dyskinesia (PMID: 23255504). ClinVar contains an entry for this variant (Variation ID: 942738). Algorithms developed to predict the effect of sequence changes on RNA splicing suggest that this variant may disrupt the consensus splice site. For these reasons, this variant has been classified as Pathogenic.

Literature cited by the submitters: PubMed 21131972; PubMed 23255504.